The following is an entry in ClinVar:

ClinVar aggregate classification (germline): Likely benign. Review status: criteria provided, multiple submitters, no conflicts (2 of 4 stars). 2 submissions from 2 submitters: Likely benign (2). Last evaluated 2025-11-01.

Submissions (3):

CeGaT Center for Human Genetics Tuebingen
Classification: Likely benign. Last evaluated: 2025-11-01. Review status: criteria provided, single submitter. Criteria: CeGaT Center For Human Genetics Tuebingen Variant Classification Criteria Version 2. Collection method: clinical testing. Allele origin: germline. Affected: yes. Observed: 1 variant allele.
Comment: GIGYF2: BP4, BS2

Blueprint Genetics
Classification: Likely benign. Last evaluated: 2024-11-22. Review status: criteria provided, single submitter. Criteria: ACMG Guidelines, 2015. Collection method: clinical testing. Allele origin: germline.

Dr. Peter K. Rogan Lab, Western University
No classification provided (evidence only). Condition: Nonpapillary renal cell carcinoma. Review status: no classification provided. Collection method: in vitro. Allele origin: not applicable. Functional consequence: skipped exon, retained intron. Not counted in ClinVar's aggregate classification.

NM_001103146.3(GIGYF2):c.268-15_268-6del

Gene: GIGYF2 (GRB10 interacting GYF protein 2; plus strand). Cytogenetic location: 2q37.1.
Variant type: Deletion.
Coding change: c.268-15_268-6del on transcript NM_001103146.3 (MANE Select); 15 bases into the intron before coding-DNA position 268 through 6 bases into the intron before coding-DNA position 268, 10 bases deleted (TTTTTTTTTT; older notation c.268-15_268-6delTTTTTTTTTT).
Molecular consequence: intron variant.
Genome position (GRCh38, 1-based): chr2:232,756,208-232,756,217, TTTTTTTTTT deleted; deleting any 10 consecutive bases within chr2:232,756,198-232,756,217 gives the same sequence; the c. name uses the placement nearest the transcript's 3' end. VCF-style (leftmost placement, unchanged base first): chr2-232756197-CTTTTTTTTTT-C. GRCh37 (hg19) VCF-style: chr2-233620907-CTTTTTTTTTT-C.
Other names: NC_000002.11:g.233620918_233620927del; c.268-15_268-6del (NM_015575.4, NM_001103147.2, NM_001103148.2).
Identifiers: ClinVar variation 4287464 (VCV004287464.8).